The following is an entry in ClinVar:

ClinVar aggregate classification (germline): Uncertain significance. Review status: criteria provided, multiple submitters, no conflicts (2 of 4 stars). 2 submissions from 2 submitters: Uncertain significance (2). Last evaluated 2026-05-02.

Conditions:
TTN-related disorder. Also called: TTN-related condition; TTN-related disease; TTN-related disorders.

Allele frequency attached by ClinVar (database versions not stated): gnomAD exomes below 0.00001 and 0.00001; TOPMed below 0.00001; gnomAD 0.00001.
gnomAD v4.1: 3 of 1,613,848 alleles (0.00019%); highest among the groups gnomAD compares: Admixed American, 0.005%; no homozygotes.

Submissions (2):

PreventionGenetics, part of Exact Sciences
Classification: Uncertain significance for TTN-related condition. Last evaluated: 2026-05-02. Review status: criteria provided, single submitter. Criteria: ACMG Guidelines, 2015. Collection method: clinical testing. Allele origin: germline.
Comment: The TTN c.102839C>T variant is predicted to result in the amino acid substitution p.Thr34280Ile. This variant has been reported in an individual with supraventricular tachycardia (Guevara-Ramirez et al. 2025. PubMed ID: 41465321). This variant is reported in 0.0058% of alleles in individuals of Latino descent in gnomAD. At this time, the clinical significance of this variant is uncertain due to the absence of conclusive functional and genetic evidence.

Eurofins Ntd Llc (ga)
Classification: Uncertain significance. Last evaluated: 2015-08-25. Review status: criteria provided, single submitter. Criteria: EGL Classification Definitions 2015. Collection method: clinical testing. Allele origin: germline. Observed: 1 variant allele, 1 heterozygote.

NM_001267550.2(TTN):c.102839C>T (p.Thr34280Ile)

Genes: TTN-AS1 (TTN antisense RNA 1; plus strand), TTN (titin; minus strand). Cytogenetic location: 2q31.2.
Variant type: single nucleotide variant.
Coding change: c.102839C>T on transcript NM_001267550.2 (MANE Select); coding-DNA position 102839, C replaced by T.
Protein change: p.Thr34280Ile; replaces threonine 34280 with isoleucine.
Molecular consequence: missense variant.
Genome position (GRCh38, 1-based): chr2:178,533,776, G>A on the plus strand (C>T on the coding strand, the complement: TTN is on the minus strand). VCF-style: chr2-178533776-G-A. GRCh37 (hg19) VCF-style: chr2-179398503-G-A.
Other names: c.97916C>T, p.Thr32639Ile (NM_001256850.1); c.75644C>T, p.Thr25215Ile (NM_003319.4); c.95135C>T, p.Thr31712Ile (NM_133378.4); c.76019C>T, p.Thr25340Ile (NM_133432.3); c.76220C>T, p.Thr25407Ile (NM_133437.4); short protein forms T34280I, T31712I, T25215I, T25340I, T25407I, T32639I.
Identifiers: ClinVar variation 282863 (VCV000282863.6), dbSNP rs886042505, ClinGen allele CA10604326.